The following is an entry in ClinVar:

NM_001164508.2(NEB):c.3168G>T (p.Leu1056Phe)

Gene: NEB (nebulin; minus strand). Cytogenetic location: 2q23.3.
Variant type: single nucleotide variant.
Coding change: c.3168G>T on transcript NM_001164508.2 (MANE Select); coding-DNA position 3168, G replaced by T.
Protein change: p.Leu1056Phe; replaces leucine 1056 with phenylalanine.
Molecular consequence: missense variant.
Genome position (GRCh38, 1-based): chr2:151,679,808, C>A on the plus strand (G>T on the coding strand, the complement: NEB is on the minus strand). VCF-style: chr2-151679808-C-A. GRCh37 (hg19) VCF-style: chr2-152536322-C-A.
Other names: c.3168G>T, p.Leu1056Phe (NM_001164507.2, NM_001271208.2, NM_004543.5); short protein forms L1056F.
Identifiers: ClinVar variation 1422512 (VCV001422512.3), dbSNP rs1254743889, ClinGen allele CA348820312.

ClinVar aggregate classification (germline): Uncertain significance (1 of 4 stars; one submission).

Conditions:
Nemaline myopathy 2 (NEM2). Also called: Nemaline myopathy 2, autosomal recessive. Identifiers: MedGen C1850569, MONDO:0009725, OMIM 256030.

Allele frequency attached by ClinVar (database versions not stated): gnomAD exomes below 0.00001; gnomAD 0.00001; TOPMed 0.00002.
gnomAD v4.1: 4 of 1,613,684 alleles (0.00025%); highest among the groups gnomAD compares: African/African-American, 0.0053%; no homozygotes.

Submission:

Labcorp Genetics (formerly Invitae), Labcorp
Classification: Uncertain significance for Nemaline myopathy 2. Last evaluated: 2021-12-03. Review status: criteria provided, single submitter. Criteria: Invitae Variant Classification Sherloc (09022015). Collection method: clinical testing. Allele origin: germline.
Comment: This sequence change replaces leucine, which is neutral and non-polar, with phenylalanine, which is neutral and non-polar, at codon 1056 of the NEB protein (p.Leu1056Phe). This variant is not present in population databases (gnomAD no frequency). This variant has not been reported in the literature in individuals affected with NEB-related conditions. Algorithms developed to predict the effect of missense changes on protein structure and function are either unavailable or do not agree on the potential impact of this missense change (SIFT: "Deleterious"; PolyPhen-2: "Not Available"; Align-GVGD: "Class C0"). In summary, the available evidence is currently insufficient to determine the role of this variant in disease. Therefore, it has been classified as a Variant of Uncertain Significance.